The following is an entry in ClinVar:

ClinVar aggregate classification (germline): Conflicting classifications of pathogenicity. Review status: criteria provided, conflicting classifications (1 of 4 stars). 4 submissions from 4 submitters: Uncertain significance (2); Likely benign (2). Last evaluated 2026-01-01.

Conditions:
Collagen 6-related myopathy. Identifiers: MedGen CN117976, MONDO:0100225.
Bethlem myopathy 1A. Also called: Bethlem myopathy 1; Bethlem Muscular Dystrophy; MYOPATHY, BENIGN CONGENITAL, WITH CONTRACTURES. Identifiers: Orphanet 610, MedGen CN029274, MONDO:0024530, OMIM 158810.

Allele frequency attached by ClinVar (database versions not stated): ExAC 0.00008; TOPMed 0.00008; gnomAD 0.00009; gnomAD exomes 0.00010; ESP Exome Variant Server 0.00015; 1000 Genomes Project 30x 0.00016; 1000 Genomes Project 0.00020.
gnomAD v4.1: 64 of 1,614,242 alleles (0.004%); highest among the groups gnomAD compares: Admixed American, 0.04%; no homozygotes.

Submissions (4):

CeGaT Center for Human Genetics Tuebingen
Classification: Likely benign. Last evaluated: 2026-01-01. Review status: criteria provided, single submitter. Criteria: CeGaT Center For Human Genetics Tuebingen Variant Classification Criteria Version 2. Collection method: clinical testing. Allele origin: germline. Affected: yes. Observed: 2 variant alleles.
Comment: COL6A3: BP4, BP7

Labcorp Genetics (formerly Invitae), Labcorp
Classification: Likely benign for Bethlem myopathy 1A. Last evaluated: 2025-10-23. Review status: criteria provided, single submitter. Criteria: Invitae Variant Classification Sherloc (09022015). Collection method: clinical testing. Allele origin: germline.

Illumina Laboratory Services, Illumina
Classification: Uncertain significance for Collagen VI-related myopathy. Last evaluated: 2018-01-13. Review status: criteria provided, single submitter. Criteria: ICSL Variant Classification Criteria 13 December 2019. Collection method: clinical testing. Allele origin: germline.

Eurofins Ntd Llc (ga)
Classification: Uncertain significance. Last evaluated: 2017-12-07. Review status: criteria provided, single submitter. Criteria: EGL Classification Definitions 2015. Collection method: clinical testing. Allele origin: germline. Observed: 2 variant alleles, 2 heterozygotes.

NM_004369.4(COL6A3):c.1557C>T (p.Asp519=)

Gene: COL6A3 (collagen type VI alpha 3 chain; minus strand). Cytogenetic location: 2q37.3.
Variant type: single nucleotide variant.
Coding change: c.1557C>T on transcript NM_004369.4 (MANE Select); coding-DNA position 1557, C replaced by T.
Protein change: p.Asp519=; no amino-acid change (aspartic acid 519 retained).
Molecular consequence: synonymous variant.
Genome position (GRCh38, 1-based): chr2:237,381,255, G>A on the plus strand (C>T on the coding strand, the complement: COL6A3 is on the minus strand). VCF-style: chr2-237381255-G-A. GRCh37 (hg19) VCF-style: chr2-238289898-G-A.
Other names: c.336C>T, p.Asp112= (NM_057164.5, NM_057166.5); c.939C>T, p.Asp313= (NM_057165.5, NM_057167.4).
Identifiers: ClinVar variation 335141 (VCV000335141.23), dbSNP rs145586177, ClinGen allele CA2189599.